The following is an entry in ClinVar:

NM_001754.5(RUNX1):c.613+20G>A

Genes: RUNX1 (RUNX family transcription factor 1; minus strand), RUNX1-AS1 (RUNX1 antisense RNA 1; plus strand). Cytogenetic location: 21q22.12.
Variant type: single nucleotide variant.
Coding change: c.613+20G>A on transcript NM_001754.5 (MANE Select); 20 bases into the intron after coding-DNA position 613, G replaced by A.
Molecular consequence: intron variant.
Genome position (GRCh38, 1-based): chr21:34,859,454, C>T on the plus strand (G>A on the coding strand, the complement: RUNX1 is on the minus strand). VCF-style: chr21-34859454-C-T. GRCh37 (hg19) VCF-style: chr21-36231751-C-T.
Other names: c.532+20G>A (NM_001001890.3, NM_001122607.2).
Identifiers: ClinVar variation 2996406 (VCV002996406.4), dbSNP rs746204122, ClinGen allele CA320617945.

ClinVar aggregate classification (germline): Likely benign. Review status: reviewed by expert panel (3 of 4 stars). 2 submissions from 2 submitters: Likely benign (1). 1 of the submissions does not count toward it. Last evaluated 2024-11-04.

Conditions:
Hereditary thrombocytopenia and hematologic cancer predisposition syndrome. Identifiers: Orphanet 71290, MedGen CN281654, MONDO:0011071.
Hereditary thrombocytopenia and hematological cancer predisposition syndrome associated with RUNX1. Also called: RUNX1 Familial Platelet Disorder with Associated Myeloid Malignancies; Familial Platelet Disorder with Propensity to Acute Myelogenous Leukemia; Familial thrombocytopenia with propensity to acute myelogenous leukemia; PLATELET DISORDER, ASPIRIN-LIKE. Identifiers: Orphanet 71290, MedGen C1832388, MeSH C563324, MONDO:0100083, OMIM 601399.

Allele frequency attached by ClinVar (database versions not stated): TOPMed below 0.00001; gnomAD 0.00001.
gnomAD v4.1: 1 of 1,540,762 alleles (0.000065%); highest among the groups gnomAD compares: African/African-American, 0.0014%; no homozygotes.

Submissions (2):

ClinGen Myeloid Malignancy Variant Curation Expert Panel
Classification: Likely benign for Hereditary thrombocytopenia and hematologic cancer predisposition syndrome. Last evaluated: 2024-11-04. Review status: reviewed by expert panel. Criteria: ClinGen MyeloMalig ACMG Specifications v2. Collection method: curation. Allele origin: germline. Inheritance: Autosomal dominant inheritance.
Comment: NM_001754.5(RUNX1):c.613+20G>A is an intronic variant which has a SpliceAI score ≤ 0.20 (0.0) (BP4). This variant has a SpliceAI score ≤ 0.20 (0.0) and evolutionary conservation prediction algorithms predict the site as not being conserved (PhyloP score ≤ 2.0 (1.29) (BP7). In summary, this variant meets criteria to be classified as likely benign. ACMG/AMP criteria applied, as specified by the Myeloid Malignancy Variant Curation Expert Panel for RUNX1: BP4, BP7.

Labcorp Genetics (formerly Invitae), Labcorp
Classification: Likely benign for Hereditary thrombocytopenia and hematological cancer predisposition syndrome associated with RUNX1. Last evaluated: 2023-11-19. Review status: criteria provided, single submitter. Criteria: Invitae Variant Classification Sherloc (09022015). Collection method: clinical testing. Allele origin: germline. Not counted in ClinVar's aggregate classification.